The following is an entry in ClinVar:

NM_020774.4(MIB1):c.836T>C (p.Leu279Ser)

Gene: MIB1 (MIB E3 ubiquitin protein ligase 1; plus strand). Cytogenetic location: 18q11.2.
Variant type: single nucleotide variant.
Coding change: c.836T>C on transcript NM_020774.4 (MANE Select); coding-DNA position 836, T replaced by C.
Protein change: p.Leu279Ser; replaces leucine 279 with serine.
Molecular consequence: missense variant.
Genome position (GRCh38, 1-based): chr18:21,779,613, T>C. VCF-style: chr18-21779613-T-C. GRCh37 (hg19) VCF-style: chr18-19359574-T-C.
Other names: short protein forms L279S.
Identifiers: ClinVar variation 4860032 (VCV004860032.1).

ClinVar aggregate classification (germline): Uncertain significance (1 of 4 stars; one submission).

Conditions:
Inborn genetic diseases. Identifiers: MedGen C0950123, MeSH D030342.

gnomAD v4.1: 11 of 1,614,124 alleles (0.00068%); highest among the groups gnomAD compares: Non-Finnish European, 0.00093%; no homozygotes.

Submission:

Ambry Genetics
Classification: Uncertain significance for Inborn genetic diseases. Last evaluated: 2026-05-28. Review status: criteria provided, single submitter. Criteria: Ambry Variant Classification Scheme 2023. Collection method: clinical testing. Allele origin: germline.
Comment: The p.L279S variant (also known as c.836T>C), located in coding exon 6 of the MIB1 gene, results from a T to C substitution at nucleotide position 836. The leucine at codon 279 is replaced by serine, an amino acid with dissimilar properties. This amino acid position is conserved. In addition, this alteration is predicted to be deleterious by in silico analysis. Based on the available evidence, the clinical significance of this variant remains unclear.